The following is an entry in ClinVar:

NM_005732.4(RAD50):c.837G>T (p.Lys279Asn)

Gene: RAD50 (RAD50 double strand break repair protein; plus strand). Cytogenetic location: 5q31.1.
Variant type: single nucleotide variant.
Coding change: c.837G>T on transcript NM_005732.4 (MANE Select); coding-DNA position 837, G replaced by T.
Protein change: p.Lys279Asn; replaces lysine 279 with asparagine.
Molecular consequence: missense variant.
Genome position (GRCh38, 1-based): chr5:132,587,642, G>T. VCF-style: chr5-132587642-G-T. GRCh37 (hg19) VCF-style: chr5-131923334-G-T.
Other names: short protein forms K279N.
Identifiers: ClinVar variation 570081 (VCV000570081.10), dbSNP rs1561638972, ClinGen allele CA360940339.
Genomic context (GRCh38, chr5:132,587,642, plus strand): 5'-ACATAATCTCTCTAAAATAATGAAACTTGACAATGAAATTAAAGCCTTGGATAGCCGAAA[G>T]AAGCAAATGGAGAAAGATAATAGTGAACTGGAAGAGAAAATGGAAAAGGTTTGTGGTGGT-3'
Protein context (NP_005723.2, residues 269-289): DNEIKALDSR[Lys279Asn]KQMEKDNSEL

ClinVar aggregate classification (germline): Uncertain significance. Review status: criteria provided, multiple submitters, no conflicts (2 of 4 stars). 2 submissions from 2 submitters: Uncertain significance (2). Last evaluated 2024-03-25.

Conditions:
Hereditary cancer-predisposing syndrome. Also called: Hereditary neoplastic syndrome; Tumor predisposition; Neoplastic Syndromes, Hereditary; Hereditary Cancer Syndrome. Identifiers: Orphanet 140162, MedGen C0027672, MeSH D009386, MONDO:0015356.

Submissions (2):

Ambry Genetics
Classification: Uncertain significance for Hereditary cancer-predisposing syndrome. Last evaluated: 2024-03-25. Review status: criteria provided, single submitter. Criteria: Ambry Variant Classification Scheme 2023. Collection method: clinical testing. Allele origin: germline.
Comment: The p.K279N variant (also known as c.837G>T), located in coding exon 6 of the RAD50 gene, results from a G to T substitution at nucleotide position 837. The lysine at codon 279 is replaced by asparagine, an amino acid with similar properties. This amino acid position is conserved. In addition, this alteration is predicted to be tolerated by in silico analysis. Based on the available evidence, the clinical significance of this alteration remains unclear.

Labcorp Genetics (formerly Invitae), Labcorp
Classification: Uncertain significance for Hereditary cancer-predisposing syndrome. Last evaluated: 2024-02-22. Review status: criteria provided, single submitter. Criteria: Invitae Variant Classification Sherloc (09022015). Collection method: clinical testing. Allele origin: germline.
Comment: This sequence change replaces lysine, which is basic and polar, with asparagine, which is neutral and polar, at codon 279 of the RAD50 protein (p.Lys279Asn). This variant is not present in population databases (gnomAD no frequency). This variant has not been reported in the literature in individuals affected with RAD50-related conditions. ClinVar contains an entry for this variant (Variation ID: 570081). Advanced modeling of protein sequence and biophysical properties (such as structural, functional, and spatial information, amino acid conservation, physicochemical variation, residue mobility, and thermodynamic stability) performed at Invitae indicates that this missense variant is expected to disrupt RAD50 protein function with a positive predictive value of 80%. In summary, the available evidence is currently insufficient to determine the role of this variant in disease. Therefore, it has been classified as a Variant of Uncertain Significance.